The following is an entry in ClinVar:

NM_006361.6(HOXB13):c.665C>G (p.Pro222Arg)

Gene: HOXB13 (homeobox B13; minus strand). Cytogenetic location: 17q21.32.
Variant type: single nucleotide variant.
Coding change: c.665C>G on transcript NM_006361.6 (MANE Select); coding-DNA position 665, C replaced by G.
Protein change: p.Pro222Arg; replaces proline 222 with arginine.
Molecular consequence: missense variant.
Genome position (GRCh38, 1-based): chr17:48,726,980, G>C on the plus strand (C>G on the coding strand, the complement: HOXB13 is on the minus strand). VCF-style: chr17-48726980-G-C. GRCh37 (hg19) VCF-style: chr17-46804342-G-C.
Other names: short protein forms P222R.
Identifiers: ClinVar variation 4769608 (VCV004769608.1).

ClinVar aggregate classification (germline): Uncertain significance (1 of 4 stars; one submission).

Submission:

Labcorp Genetics (formerly Invitae), Labcorp
Classification: Uncertain significance. Last evaluated: 2025-03-11. Review status: criteria provided, single submitter. Criteria: Invitae Variant Classification Sherloc (09022015). Collection method: clinical testing. Allele origin: germline.
Comment: This sequence change replaces proline, which is neutral and non-polar, with arginine, which is basic and polar, at codon 222 of the HOXB13 protein (p.Pro222Arg). This variant is present in population databases (rs770172581, gnomAD 0.005%). This variant has not been reported in the literature in individuals affected with HOXB13-related conditions. Invitae Evidence Modeling of protein sequence and biophysical properties (such as structural, functional, and spatial information, amino acid conservation, physicochemical variation, residue mobility, and thermodynamic stability) indicates that this missense variant is expected to disrupt HOXB13 protein function with a positive predictive value of 80%. In summary, the available evidence is currently insufficient to determine the role of this variant in disease. Therefore, it has been classified as a Variant of Uncertain Significance.